The following is an entry in ClinVar:

ClinVar aggregate classification (germline): Uncertain significance (1 of 4 stars; one submission).

Allele frequency attached by ClinVar (database versions not stated): gnomAD exomes below 0.00001 and 0.00002; ExAC 0.00001; TOPMed 0.00002; gnomAD 0.00003.
gnomAD v4.1: 31 of 1,614,080 alleles (0.0019%); highest among the groups gnomAD compares: Non-Finnish European, 0.0025%; no homozygotes.

Submission:

Labcorp Genetics (formerly Invitae), Labcorp
Classification: Uncertain significance. Last evaluated: 2022-07-26. Review status: criteria provided, single submitter. Criteria: Invitae Variant Classification Sherloc (09022015). Collection method: clinical testing. Allele origin: germline.
Comment: In summary, the available evidence is currently insufficient to determine the role of this variant in disease. Therefore, it has been classified as a Variant of Uncertain Significance. Algorithms developed to predict the effect of missense changes on protein structure and function are either unavailable or do not agree on the potential impact of this missense change (SIFT: "Deleterious"; PolyPhen-2: "Probably Damaging"; Align-GVGD: "Class C15"). ClinVar contains an entry for this variant (Variation ID: 1416705). This variant has not been reported in the literature in individuals affected with TUB-related conditions. This variant is present in population databases (rs755693112, gnomAD 0.0009%). This sequence change replaces glycine, which is neutral and non-polar, with glutamic acid, which is acidic and polar, at codon 348 of the TUB protein (p.Gly348Glu).

NM_177972.3(TUB):c.878G>A (p.Gly293Glu)

Genes: RIC3 (RIC3 acetylcholine receptor chaperone; minus strand), TUB (TUB bipartite transcription factor; plus strand). Cytogenetic location: 11p15.4.
Variant type: single nucleotide variant.
Coding change: c.878G>A on transcript NM_177972.3 (MANE Select); coding-DNA position 878, G replaced by A.
Protein change: p.Gly293Glu; replaces glycine 293 with glutamic acid.
Molecular consequence: missense variant.
Genome position (GRCh38, 1-based): chr11:8,097,418, G>A. VCF-style: chr11-8097418-G-A. GRCh37 (hg19) VCF-style: chr11-8118965-G-A.
Other names: c.1043G>A, p.Gly348Glu (NM_003320.5); short protein forms G348E, G293E.
Identifiers: ClinVar variation 1416705 (VCV001416705.5), dbSNP rs755693112, ClinGen allele CA5871250.